The following is an entry in ClinVar:

NC_000011.10:g.5226755_5227283del

Genes: HBB (hemoglobin subunit beta; minus strand), LOC106099062 (HBB recombination region; plus strand), LOC107133510 (origin of replication at HBB; plus strand). Cytogenetic location: 11p15.4.
Variant type: Deletion.
Genome position: GRCh38: chr11:5,226,755-5,227,283. GRCh37 (hg19): chr11:5,247,985-5,248,513.
Identifiers: ClinVar variation 1076533 (VCV001076533.9), ClinGen allele CA2499221076.

ClinVar aggregate classification (germline): Pathogenic (1 of 4 stars; one submission).

Submission:

Labcorp Genetics (formerly Invitae), Labcorp
Classification: Pathogenic. Last evaluated: 2020-02-10. Review status: criteria provided, single submitter. Criteria: Invitae Variant Classification Sherloc (09022015). Collection method: clinical testing. Allele origin: germline.
Comment: This variant results in the deletion of exon(s) 1 and part of exon 2 (c.-258_141del) of the HBB gene, which includes the initiator codon. This is expected to result in an absent or disrupted protein product. This variant is not present in population databases (ExAC no frequency). This variant has not been reported in the literature in individuals with HBB-related conditions. Loss-of-function variants in HBB are known to be pathogenic (PMID: 23637309). For these reasons, this variant has been classified as Pathogenic.

Literature cited by the submitters: PubMed 23637309.